The following is an entry in ClinVar:

NM_001030.6(RPS27):c.116-18T>C

Genes: RPS27 (ribosomal protein S27; plus strand), LOC126805872 (BRD4-independent group 4 enhancer GRCh37_chr1:153962963-153964162; plus strand). Cytogenetic location: 1q21.3.
Variant type: single nucleotide variant.
Coding change: c.116-18T>C on transcript NM_001030.6 (MANE Select); 18 bases into the intron before coding-DNA position 116, T replaced by C.
Molecular consequence: intron variant.
Genome position (GRCh38, 1-based): chr1:153,991,548, T>C. VCF-style: chr1-153991548-T-C. GRCh37 (hg19) VCF-style: chr1-153964024-T-C.
Other names: c.20-18T>C (NM_001349947.2, NM_001349946.2).
Identifiers: ClinVar variation 2797065 (VCV002797065.3), dbSNP rs762555280, ClinGen allele CA1123888.

ClinVar aggregate classification (germline): Uncertain significance (1 of 4 stars; one submission).

Allele frequency attached by ClinVar (database versions not stated): ExAC 0.00001; gnomAD 0.00001; gnomAD exomes 0.00001; TOPMed 0.00001.
gnomAD v4.1: 21 of 1,587,488 alleles (0.0013%); highest among the groups gnomAD compares: Non-Finnish European, 0.0016%; no homozygotes.

Submission:

Labcorp Genetics (formerly Invitae), Labcorp
Classification: Uncertain significance. Last evaluated: 2023-05-24. Review status: criteria provided, single submitter. Criteria: Invitae Variant Classification Sherloc (09022015). Collection method: clinical testing. Allele origin: germline.
Comment: In summary, the available evidence is currently insufficient to determine the role of this variant in disease. Therefore, it has been classified as a Variant of Uncertain Significance. This variant has not been reported in the literature in individuals affected with RPS27-related conditions. This variant is present in population databases (rs762555280, gnomAD 0.0009%). This sequence change falls in intron 2 of the RPS27 gene. It does not directly change the encoded amino acid sequence of the RPS27 protein.